The following is an entry in ClinVar:

ClinVar aggregate classification (germline): Uncertain significance. Review status: criteria provided, multiple submitters, no conflicts (2 of 4 stars). 3 submissions from 3 submitters: Uncertain significance (3). Last evaluated 2025-08-01.

Conditions:
Hereditary cancer-predisposing syndrome. Also called: Tumor predisposition; Neoplastic Syndromes, Hereditary; Hereditary Cancer Syndrome; Hereditary neoplastic syndrome. Identifiers: Orphanet 140162, MedGen C0027672, MeSH D009386, MONDO:0015356.
Ataxia-telangiectasia syndrome (AT). Also called: Cerebello-oculocutaneous telangiectasia; Immunodeficiency with ataxia telangiectasia; ATAXIA-TELANGIECTASIA, COMPLEMENTATION GROUP A; Ataxia-telangiectasia, complementation group D; AT, COMPLEMENTATION GROUP C; ATAXIA-TELANGIECTASIA, FRESNO VARIANT. Identifiers: Orphanet 100, MedGen C0004135, MONDO:0008840, OMIM 208900.

Allele frequency attached by ClinVar (database versions not stated): gnomAD exomes below 0.00001.
gnomAD v4.1: 2 of 1,614,094 alleles (0.00012%); highest among the groups gnomAD compares: Admixed American, 0.0017%; no homozygotes.

Submissions (3):

Ambry Genetics
Classification: Uncertain significance for Hereditary cancer-predisposing syndrome. Last evaluated: 2025-08-01. Review status: criteria provided, single submitter. Criteria: Ambry Variant Classification Scheme 2023. Collection method: clinical testing. Allele origin: germline.
Comment: The p.S864N variant (also known as c.2591G>A), located in coding exon 16 of the ATM gene, results from a G to A substitution at nucleotide position 2591. The serine at codon 864 is replaced by asparagine, an amino acid with highly similar properties. This amino acid position is not well conserved in available vertebrate species. In addition, this alteration is predicted to be tolerated by in silico analysis. Since supporting evidence is limited at this time, the clinical significance of this alteration remains unclear.

Color Diagnostics, LLC DBA Color Health
Classification: Uncertain significance for Hereditary cancer-predisposing syndrome. Last evaluated: 2023-12-05. Review status: criteria provided, single submitter. Criteria: ACMG Guidelines, 2015. Collection method: clinical testing. Allele origin: germline.
Comment: This missense variant replaces serine with asparagine at codon 864 of the ATM protein. Computational prediction suggests that this variant may not impact protein structure and function (internally defined REVEL score threshold <= 0.5, PMID: 27666373). To our knowledge, functional studies have not been reported for this variant. This variant has not been reported in individuals affected with ATM-related disorders in the literature. This variant has not been identified in the general population by the Genome Aggregation Database (gnomAD). The available evidence is insufficient to determine the role of this variant in disease conclusively. Therefore, this variant is classified as a Variant of Uncertain Significance.

Labcorp Genetics (formerly Invitae), Labcorp
Classification: Uncertain significance for Ataxia-telangiectasia syndrome. Last evaluated: 2022-07-17. Review status: criteria provided, single submitter. Criteria: Invitae Variant Classification Sherloc (09022015). Collection method: clinical testing. Allele origin: germline.
Comment: This sequence change replaces serine, which is neutral and polar, with asparagine, which is neutral and polar, at codon 864 of the ATM protein (p.Ser864Asn). This variant is not present in population databases (gnomAD no frequency). This variant has not been reported in the literature in individuals affected with ATM-related conditions. ClinVar contains an entry for this variant (Variation ID: 478973). Advanced modeling of protein sequence and biophysical properties (such as structural, functional, and spatial information, amino acid conservation, physicochemical variation, residue mobility, and thermodynamic stability) performed at Invitae indicates that this missense variant is not expected to disrupt ATM protein function. In summary, the available evidence is currently insufficient to determine the role of this variant in disease. Therefore, it has been classified as a Variant of Uncertain Significance.

NM_000051.4(ATM):c.2591G>A (p.Ser864Asn)

Gene: ATM (ATM serine/threonine kinase; plus strand). Cytogenetic location: 11q22.3.
Variant type: single nucleotide variant.
Coding change: c.2591G>A on transcript NM_000051.4 (MANE Select); coding-DNA position 2591, G replaced by A.
Protein change: p.Ser864Asn; replaces serine 864 with asparagine.
Molecular consequence: missense variant.
Genome position (GRCh38, 1-based): chr11:108,267,295, G>A. VCF-style: chr11-108267295-G-A. GRCh37 (hg19) VCF-style: chr11-108138022-G-A.
Other names: c.2591G>A, p.Ser864Asn (NM_001351834.2); short protein forms S864N.
Identifiers: ClinVar variation 478973 (VCV000478973.14), dbSNP rs1555082306, ClinGen allele CA382544024.